The following is an entry in ClinVar:

NM_173689.7(CRB2):c.3679G>A (p.Val1227Ile)

Gene: CRB2 (crumbs cell polarity complex component 2; plus strand). Cytogenetic location: 9q33.3.
Variant type: single nucleotide variant.
Coding change: c.3679G>A on transcript NM_173689.7 (MANE Select); coding-DNA position 3679, G replaced by A.
Protein change: p.Val1227Ile; replaces valine 1227 with isoleucine.
Molecular consequence: missense variant. On other transcripts: non-coding transcript variant (1).
Genome position (GRCh38, 1-based): chr9:123,376,883, G>A. VCF-style: chr9-123376883-G-A. GRCh37 (hg19) VCF-style: chr9-126139162-G-A.
Other names: short protein forms V1227I.
Identifiers: ClinVar variation 3836225 (VCV003836225.4).

ClinVar aggregate classification (germline): Conflicting classifications of pathogenicity. Review status: criteria provided, conflicting classifications (1 of 4 stars). 4 submissions from 4 submitters: Uncertain significance (3); Likely benign (1). Last evaluated 2025-07-01.

Conditions:
Focal segmental glomerulosclerosis 9 (FSGS9). Identifiers: Orphanet 656, MedGen C4015555, MONDO:0014539, OMIM 616220.
Inborn genetic diseases. Identifiers: MedGen C0950123, MeSH D030342.

gnomAD v4.1: 319 of 1,609,872 alleles (0.02%); highest among the groups gnomAD compares: South Asian, 0.1%; no homozygotes.

Submissions (4):

Labcorp Genetics (formerly Invitae), Labcorp
Classification: Likely benign. Last evaluated: 2025-07-01. Review status: criteria provided, single submitter. Criteria: Invitae Variant Classification Sherloc (09022015). Collection method: clinical testing. Allele origin: germline.

Ambry Genetics
Classification: Uncertain significance for Inborn genetic diseases. Last evaluated: 2025-01-14. Review status: criteria provided, single submitter. Criteria: Ambry Variant Classification Scheme 2023. Collection method: clinical testing. Allele origin: germline.

3billion
Classification: Uncertain significance for Focal segmental glomerulosclerosis 9. Last evaluated: 2024-07-15. Review status: criteria provided, single submitter. Criteria: ACMG Guidelines, 2015. Collection method: clinical testing. Allele origin: germline. Affected: yes.
Comment: The variant is observed at an extremely low frequency in the gnomAD v4.0.0 dataset (total allele frequency: 0.020%). Predicted Consequence/Location: Missense variant In silico tool predictions suggest no damaging effect of the variant on gene or gene product [REVEL: 0.36 (<0.4)]. Therefore, this variant is classified as VUS according to the recommendation of ACMG/AMP guideline.

Blueprint Genetics
Classification: Uncertain significance. Last evaluated: 2023-11-23. Review status: criteria provided, single submitter. Criteria: ACMG Guidelines, 2015. Collection method: clinical testing. Allele origin: germline.